The following is an entry in ClinVar:

NM_002734.5(PRKAR1A):c.229T>A (p.Ser77Thr)

Gene: PRKAR1A (protein kinase cAMP-dependent type I regulatory subunit alpha; plus strand). Cytogenetic location: 17q24.2.
Variant type: single nucleotide variant.
Coding change: c.229T>A on transcript NM_002734.5 (MANE Select); coding-DNA position 229, T replaced by A.
Protein change: p.Ser77Thr; replaces serine 77 with threonine.
Molecular consequence: missense variant.
Genome position (GRCh38, 1-based): chr17:68,522,807, T>A. VCF-style: chr17-68522807-T-A. GRCh37 (hg19) VCF-style: chr17-66518948-T-A.
Other names: c.229T>A, p.Ser77Thr (NM_001276289.2, NM_001276290.1, NM_001278433.2 and 4 more transcripts); short protein forms S77T.
Identifiers: ClinVar variation 1789241 (VCV001789241.3), dbSNP rs2085658228, ClinGen allele CA400752265.

ClinVar aggregate classification (germline): Uncertain significance. Review status: criteria provided, multiple submitters, no conflicts (2 of 4 stars). 2 submissions from 2 submitters: Uncertain significance (2). Last evaluated 2025-04-13.

Conditions:
Hereditary cancer-predisposing syndrome. Also called: Hereditary Cancer Syndrome; Hereditary neoplastic syndrome; Tumor predisposition; Neoplastic Syndromes, Hereditary. Identifiers: Orphanet 140162, MedGen C0027672, MeSH D009386, MONDO:0015356.
Carney complex, type 1 (CNC1). Also called: CARNEY MYXOMA-ENDOCRINE COMPLEX; CARNEY COMPLEX, TYPE I. Identifiers: Orphanet 1359, MedGen C2607929, MONDO:0008057, OMIM 160980.

Allele frequency attached by ClinVar (database versions not stated): TOPMed below 0.00001.

Submissions (2):

Labcorp Genetics (formerly Invitae), Labcorp
Classification: Uncertain significance for Carney complex, type 1. Last evaluated: 2025-04-13. Review status: criteria provided, single submitter. Criteria: Invitae Variant Classification Sherloc (09022015). Collection method: clinical testing. Allele origin: germline.
Comment: This sequence change replaces serine, which is neutral and polar, with threonine, which is neutral and polar, at codon 77 of the PRKAR1A protein (p.Ser77Thr). This variant is not present in population databases (gnomAD no frequency). This variant has not been reported in the literature in individuals affected with PRKAR1A-related conditions. ClinVar contains an entry for this variant (Variation ID: 1789241). Invitae Evidence Modeling of protein sequence and biophysical properties (such as structural, functional, and spatial information, amino acid conservation, physicochemical variation, residue mobility, and thermodynamic stability) indicates that this missense variant is not expected to disrupt PRKAR1A protein function with a negative predictive value of 95%. In summary, the available evidence is currently insufficient to determine the role of this variant in disease. Therefore, it has been classified as a Variant of Uncertain Significance.

Ambry Genetics
Classification: Uncertain significance for Hereditary cancer-predisposing syndrome. Last evaluated: 2022-03-10. Review status: criteria provided, single submitter. Criteria: Ambry Variant Classification Scheme 2023. Collection method: clinical testing. Allele origin: germline.
Comment: The p.S77T variant (also known as c.229T>A), located in coding exon 2 of the PRKAR1A gene, results from a T to A substitution at nucleotide position 229. The serine at codon 77 is replaced by threonine, an amino acid with similar properties. This amino acid position is highly conserved in available vertebrate species. In addition, the in silico prediction for this alteration is inconclusive. Since supporting evidence is limited at this time, the clinical significance of this alteration remains unclear.